The following is an entry in ClinVar:

NM_000284.4(PDHA1):c.950_962dup (p.Lys321fs)

Gene: PDHA1 (pyruvate dehydrogenase E1 subunit alpha 1; plus strand). Cytogenetic location: Xp22.12.
Variant type: Duplication.
Coding change: c.950_962dup on transcript NM_000284.4 (MANE Select); coding-DNA positions 950 to 962, 13 bases duplicated (TTATGCTTCTCAA).
Protein change: p.Lys321fs; shifts the reading frame from lysine 321.
Molecular consequence: frameshift variant.
Genome position (GRCh38, 1-based): chrX:19,358,966-19,358,978, TTATGCTTCTCAA duplicated; duplicating any 13 consecutive bases within chrX:19,358,965-19,358,978 gives the same sequence; the c. name uses the placement nearest the transcript's 3' end. VCF-style (leftmost placement, unchanged base first): chrX-19358964-T-TATTATGCTTCTCA. GRCh37 (hg19) VCF-style: chrX-19377082-T-TATTATGCTTCTCA.
Other names: c.1064_1076dup, p.Lys359fs (NM_001173454.2); c.971_983dup, p.Lys328fs (NM_001173455.2); c.857_869dup, p.Lys290fs (NM_001173456.2); short protein forms K290fs, K321fs, K328fs, K359fs.
Identifiers: ClinVar variation 4070412 (VCV004070412.1).
Genomic context (GRCh38, chrX:19,358,964, plus strand): 5'-CCCTCCCCATAGTTACCGTACACGAGAAGAAATTCAGGAAGTAAGAAGTAAGAGTGACCC[T>TATTATGCTTCTCA]ATTATGCTTCTCAAGGACAGGATGGTGAACAGCAATCTTGCCAGTGTGGAAGAACTAAAG-3'

ClinVar aggregate classification (germline): Pathogenic (0 of 4 stars; one submission).

Conditions:
Pyruvate dehydrogenase E1-alpha deficiency (PDHAD). Also called: ATAXIA, INTERMITTENT, WITH PYRUVATE DEHYDROGENASE DEFICIENCY; ATAXIA WITH LACTIC ACIDOSIS I; ATAXIA, INTERMITTENT, WITH ABNORMAL PYRUVATE METABOLISM; Ataxia, intermittent, with pyruvate dehydrogenase, or decarboxylase, deficiency. Identifiers: Orphanet 79243, MedGen C1839413, MONDO:0010717, OMIM 312170.

Submission:

PDHA1 Study Group, University Children’s Hospital, Paracelsus Medical University
Classification: Pathogenic for Pyruvate dehydrogenase E1-alpha deficiency. Last evaluated: 2024-10-15. Review status: no assertion criteria provided. Collection method: research. Allele origin: germline. Affected: yes. Observed: 1 variant allele.
Comment: The NM_000284.3:c.950_962dup (p.Lys321AsnfsTer23) change is a frameshift variant in PDHA1 gene. This variant is predicted to escape nonsense-mediated decay (NMD). Last literature search: July 12, 2024. This variant is absent or extremely rare in population-based cohorts in the Genome Aggregation Database (gnomAD). Individuals harboring this variant presented with clinical features compatible with PDHA1-related PDHc deficiency. In summary, this variant meets criteria to be classified as pathogenic (P) for PDHA1-related PDHc deficiency based on the ACMG/AMP criteria applied: PVS1, PS3, PM2, PM7 (last assessment October 15, 2024).

Literature cited by the submitters: DOI 10.1093/brain/awaf430.